The following is an entry in ClinVar:

NM_001267550.2(TTN):c.101732T>G (p.Leu33911Arg)

Genes: TTN-AS1 (TTN antisense RNA 1; plus strand), TTN (titin; minus strand). Cytogenetic location: 2q31.2.
Variant type: single nucleotide variant.
Coding change: c.101732T>G on transcript NM_001267550.2 (MANE Select); coding-DNA position 101732, T replaced by G.
Protein change: p.Leu33911Arg; replaces leucine 33911 with arginine.
Molecular consequence: missense variant.
Genome position (GRCh38, 1-based): chr2:178,534,883, A>C on the plus strand (T>G on the coding strand, the complement: TTN is on the minus strand). VCF-style: chr2-178534883-A-C. GRCh37 (hg19) VCF-style: chr2-179399610-A-C.
Other names: c.96809T>G, p.Leu32270Arg (NM_001256850.1); c.74537T>G, p.Leu24846Arg (NM_003319.4); c.94028T>G, p.Leu31343Arg (NM_133378.4); c.74912T>G, p.Leu24971Arg (NM_133432.3); c.75113T>G, p.Leu25038Arg (NM_133437.4); short protein forms L24846R, L24971R, L25038R, L31343R, L32270R, L33911R.
Identifiers: ClinVar variation 1328056 (VCV001328056.4), dbSNP rs2154136272, ClinGen allele CA349419766.

ClinVar aggregate classification (germline): Uncertain significance. Review status: criteria provided, single submitter (1 of 4 stars). 3 submissions from 3 submitters: Uncertain significance (1). 2 of the submissions do not count toward it. Last evaluated 2024-05-04.

Conditions:
Dilated cardiomyopathy 1G (CMD1G). Identifiers: Orphanet 154, MedGen C1858763, MONDO:0011400, OMIM 604145.
Autosomal recessive limb-girdle muscular dystrophy type 2J (LGMDR10). Also called: Limb-girdle muscular dystrophy, type 2J; MUSCULAR DYSTROPHY, LIMB-GIRDLE, AUTOSOMAL RECESSIVE 10. Identifiers: Orphanet 140922, MedGen C1837342, MONDO:0012127, OMIM 608807.

Submissions (3):

Labcorp Genetics (formerly Invitae), Labcorp
Classification: Uncertain significance for Dilated cardiomyopathy 1G; Autosomal recessive limb-girdle muscular dystrophy type 2J. Last evaluated: 2024-05-04. Review status: criteria provided, single submitter. Criteria: Invitae Variant Classification Sherloc (09022015). Collection method: clinical testing. Allele origin: germline.
Comment: This sequence change replaces leucine, which is neutral and non-polar, with arginine, which is basic and polar, at codon 33911 of the TTN protein (p.Leu33911Arg). This variant is not present in population databases (gnomAD no frequency). This variant has not been reported in the literature in individuals affected with TTN-related conditions. ClinVar contains an entry for this variant (Variation ID: 1328056). Experimental studies and prediction algorithms are not available or were not evaluated, and the functional significance of this variant is currently unknown. This variant is located in the M band of TTN (PMID: 25589632). Non-truncating variants in this region may be relevant for neuromuscular disorders, but have not been definitively shown to cause cardiomyopathy (PMID: 23975875). In summary, the available evidence is currently insufficient to determine the role of this variant in disease. Therefore, it has been classified as a Variant of Uncertain Significance.

Clinical Genetics, Academic Medical Center
Classification: Uncertain significance. Review status: no assertion criteria provided. Collection method: clinical testing. Allele origin: germline. Affected: yes. Study: VKGL Data-share Consensus. Not counted in ClinVar's aggregate classification.

Laboratory of Diagnostic Genome Analysis, Leiden University Medical Center (LUMC)
Classification: Uncertain significance. Review status: no assertion criteria provided. Collection method: clinical testing. Allele origin: germline. Affected: yes. Study: VKGL Data-share Consensus. Not counted in ClinVar's aggregate classification.

Literature cited by the submitters: PubMed 25589632 (cited by Labcorp Genetics (formerly Invitae), Labcorp); PubMed 23975875 (cited by Labcorp Genetics (formerly Invitae), Labcorp).